The following is an entry in ClinVar:

ClinVar aggregate classification (germline): Uncertain significance. Review status: criteria provided, multiple submitters, no conflicts (2 of 4 stars). 5 submissions from 5 submitters: Uncertain significance (5). Last evaluated 2026-01-27.

Conditions:
Epidermolysis bullosa simplex with nail dystrophy (EBS5D). Identifiers: MedGen C4225309, MONDO:0014661, OMIM 616487.
Autosomal recessive limb-girdle muscular dystrophy type 2Q (LGMDR17). Also called: MUSCULAR DYSTROPHY, LIMB-GIRDLE, AUTOSOMAL RECESSIVE 17. Identifiers: Orphanet 254361, MedGen C3150989, MONDO:0013390, OMIM 613723.
Epidermolysis bullosa simplex 5B, with muscular dystrophy (EBS5B). Also called: EPIDERMOLYSIS BULLOSA SIMPLEX AND LIMB-GIRDLE MUSCULAR DYSTROPHY; Epidermolysis bullosa simplex with muscular dystrophy. Identifiers: Orphanet 257, MedGen C2931072, MONDO:0009181, OMIM 226670.
Epidermolysis bullosa simplex, Ogna type (EBS5A). Also called: Pidermolysis bullosa simplex 5A, Ogna type; EPIDERMOLYSIS BULLOSA SIMPLEX 5A, OGNA TYPE. Identifiers: Orphanet 79401, MedGen C0432317, MONDO:0007555, OMIM 131950.
Epidermolysis bullosa simplex 5C, with pyloric atresia (EBS5C). Also called: PLEC-Related Epidermolysis Bullosa with Pyloric Atresia; PLEC1-Related Epidermolysis Bullosa with Pyloric Atresia; Epidermolysis bullosa simplex with pyloric atresia. Identifiers: Orphanet 158684, MedGen C2677349, MONDO:0012807, OMIM 612138.
Inborn genetic diseases. Identifiers: MedGen C0950123, MeSH D030342.

Allele frequency attached by ClinVar (database versions not stated): gnomAD exomes 0.00003 and 0.00006; ExAC 0.00004; TOPMed 0.00006; ESP Exome Variant Server 0.00008; gnomAD 0.00009.
gnomAD v4.1: 106 of 1,600,486 alleles (0.0066%); highest among the groups gnomAD compares: Middle Eastern, 0.018%; no homozygotes.

Submissions (5):

Labcorp Genetics (formerly Invitae), Labcorp
Classification: Uncertain significance for Autosomal recessive limb-girdle muscular dystrophy type 2Q; Epidermolysis bullosa simplex, Ogna type; Epidermolysis bullosa simplex with nail dystrophy; Epidermolysis bullosa simplex 5C, with pyloric atresia; Epidermolysis bullosa simplex 5B, with muscular dystrophy. Last evaluated: 2026-01-27. Review status: criteria provided, single submitter. Criteria: Invitae Variant Classification Sherloc (09022015). Collection method: clinical testing. Allele origin: germline.
Comment: This sequence change replaces arginine, which is basic and polar, with glutamine, which is neutral and polar, at codon 1035 of the PLEC protein (p.Arg1035Gln). This variant is present in population databases (rs374666787, gnomAD 0.01%). This variant has not been reported in the literature in individuals affected with PLEC-related conditions. ClinVar contains an entry for this variant (Variation ID: 430201). Invitae Evidence Modeling of protein sequence and biophysical properties (such as structural, functional, and spatial information, amino acid conservation, physicochemical variation, residue mobility, and thermodynamic stability) indicates that this missense variant is not expected to disrupt PLEC protein function with a negative predictive value of 80%. In summary, the available evidence is currently insufficient to determine the role of this variant in disease. Therefore, it has been classified as a Variant of Uncertain Significance.

Ambry Genetics
Classification: Uncertain significance for Inborn genetic diseases. Last evaluated: 2025-08-30. Review status: criteria provided, single submitter. Criteria: Ambry Variant Classification Scheme 2023. Collection method: clinical testing. Allele origin: germline.

Revvity Omics, Revvity
Classification: Uncertain significance. Last evaluated: 2024-04-30. Review status: criteria provided, single submitter. Criteria: ACMG Guidelines, 2015. Collection method: clinical testing. Allele origin: germline.

GeneDx
Classification: Uncertain significance. Last evaluated: 2017-05-22. Review status: criteria provided, single submitter. Criteria: GeneDx Variant Classification (06012015). Collection method: clinical testing. Allele origin: germline. Affected: yes.
Comment: The R1035Q variant has not been published as a pathogenic variant, nor has it been reported as a benign variant to our knowledge. The R1035Q variant is not observed at a significant frequency in large population cohorts (Lek et al., 2016; 1000 Genomes Consortium et al., 2015; Exome Variant Server). This variant is a semi-conservative amino acid substitution, which may impact secondary protein structure as these residues differ in some properties. This substitution occurs at a position that is conserved across species; however, missense variants in nearby residues have not been reported in the Human Gene Mutation Database in association with PLEC-related disorders (Stenson et al., 2014). In silico analysis is inconsistent in its predictions as to whether or not the variant is damaging to the protein structure/function.

Eurofins Ntd Llc (ga)
Classification: Uncertain significance. Last evaluated: 2017-03-04. Review status: criteria provided, single submitter. Criteria: EGL Classification Definitions 2015. Collection method: clinical testing. Allele origin: germline. Observed: 2 variant alleles, 2 heterozygotes.

NM_201384.3(PLEC):c.3023G>A (p.Arg1008Gln)

Gene: PLEC (plectin; minus strand). Cytogenetic location: 8q24.3.
Variant type: single nucleotide variant.
Coding change: c.3023G>A on transcript NM_201384.3 (MANE Select); coding-DNA position 3023, G replaced by A.
Protein change: p.Arg1008Gln; replaces arginine 1008 with glutamine.
Molecular consequence: missense variant.
Genome position (GRCh38, 1-based): chr8:143,929,472, C>T on the plus strand (G>A on the coding strand, the complement: PLEC is on the minus strand). VCF-style: chr8-143929472-C-T. GRCh37 (hg19) VCF-style: chr8-145003640-C-T.
Other names: c.3104G>A, p.Arg1035Gln (NM_000445.5); c.2981G>A, p.Arg994Gln (NM_201378.4); c.2957G>A, p.Arg986Gln (NM_201379.3); c.3434G>A, p.Arg1145Gln (NM_201380.4); c.2927G>A, p.Arg976Gln (NM_201381.3); c.3023G>A, p.Arg1008Gln (NM_201382.4); c.3035G>A, p.Arg1012Gln (NM_201383.3); short protein forms R1008Q, R1012Q, R1035Q, R1145Q, R976Q, R986Q, R994Q.
Identifiers: ClinVar variation 430201 (VCV000430201.13), dbSNP rs374666787, ClinGen allele CA4927255.
Genomic context (GRCh38, chr8:143,929,472, plus strand): 5'-GCCTGCTGCTCGGCGATGCGCTGGGCACACTCCCGTGCCGGCTCTTTGTCCAGCGGCAGC[C>T]GCAGGCGGTGCACGGTGCGCGTCTCACAGGCCTCCAGCTGCAGCCGGATGTCTTTGAGCT-3'
Protein context (NP_958786.1, residues 998-1018): ACETRTVHRL[Arg1008Gln]LPLDKEPARE